The following is an entry in ClinVar:

ClinVar aggregate classification (germline): Likely pathogenic (1 of 4 stars; one submission).

Conditions:
Retinitis pigmentosa 1 (RP1). Identifiers: Orphanet 791, MedGen C0220701, MONDO:0008377, OMIM 180100.

gnomAD v4.1: 5 of 1,613,384 alleles (0.00031%); highest among the groups gnomAD compares: Non-Finnish European, 0.00042%; no homozygotes.

Submission:

Juno Genomics, Hangzhou Juno Genomics, Inc
Classification: Likely pathogenic for Retinitis pigmentosa 1. Review status: criteria provided, single submitter. Criteria: ACMG Guidelines, 2015. Collection method: clinical testing. Allele origin: germline. Affected: yes.
Comment: Null variant in a gene where loss of function (LOF) is a known mechanism of disease.;Absent from controls (or at extremely low frequency if recessive) in Genome Aggregation Database, Exome Sequencing Project, 1000 Genomes Project, or Exome Aggregation Consortium.;Patient's phenotype or family history is highly specific for a disease with a single genetic etiology.

NM_006269.2(RP1):c.1951C>T (p.Gln651Ter)

Gene: RP1 (RP1 axonemal microtubule associated; plus strand). Cytogenetic location: 8q12.1.
Variant type: single nucleotide variant.
Coding change: c.1951C>T on transcript NM_006269.2 (MANE Select); coding-DNA position 1951, C replaced by T.
Protein change: p.Gln651Ter; replaces glutamine 651 with a stop codon.
Molecular consequence: nonsense. On other transcripts: intron variant (1).
Genome position (GRCh38, 1-based): chr8:54,625,833, C>T. VCF-style: chr8-54625833-C-T. GRCh37 (hg19) VCF-style: chr8-55538393-C-T.
Other names: c.787+3545C>T (NM_001375654.1); short protein forms Q651*.
Identifiers: ClinVar variation 3382324 (VCV003382324.2).